The following is an entry in ClinVar:

ClinVar aggregate classification (germline): Uncertain significance. Review status: criteria provided, multiple submitters, no conflicts (2 of 4 stars). 2 submissions from 2 submitters: Uncertain significance (2). Last evaluated 2026-02-03.

Conditions:
Hereditary cancer-predisposing syndrome. Also called: Tumor predisposition; Hereditary neoplastic syndrome; Neoplastic Syndromes, Hereditary; Hereditary Cancer Syndrome. Identifiers: Orphanet 140162, MedGen C0027672, MeSH D009386, MONDO:0015356.
Neuroblastoma, susceptibility to, 3. Also called: ALK-Related Neuroblastic Tumor Susceptibility. Identifiers: Orphanet 635, MedGen C2751681, MONDO:0013083, OMIM 613014.

Allele frequency attached by ClinVar (database versions not stated): gnomAD exomes below 0.00001; gnomAD 0.00001; TOPMed 0.00002.
gnomAD v4.1: 2 of 1,556,702 alleles (0.00013%); highest among the groups gnomAD compares: African/African-American, 0.0014%; no homozygotes.

Submissions (2):

Labcorp Genetics (formerly Invitae), Labcorp
Classification: Uncertain significance for Neuroblastoma, susceptibility to, 3. Last evaluated: 2026-02-03. Review status: criteria provided, single submitter. Criteria: Invitae Variant Classification Sherloc (09022015). Collection method: clinical testing. Allele origin: germline.
Comment: This sequence change replaces valine, which is neutral and non-polar, with methionine, which is neutral and non-polar, at codon 19 of the ALK protein (p.Val19Met). This variant is not present in population databases (gnomAD no frequency). This variant has not been reported in the literature in individuals affected with ALK-related conditions. ClinVar contains an entry for this variant (Variation ID: 1499233). An algorithm developed to predict the effect of missense changes on protein structure and function (PolyPhen-2) suggests that this variant is likely to be tolerated. In summary, the available evidence is currently insufficient to determine the role of this variant in disease. Therefore, it has been classified as a Variant of Uncertain Significance.

Ambry Genetics
Classification: Uncertain significance for Hereditary cancer-predisposing syndrome. Last evaluated: 2025-01-01. Review status: criteria provided, single submitter. Criteria: Ambry Variant Classification Scheme 2023. Collection method: clinical testing. Allele origin: germline.
Comment: The p.V19M variant (also known as c.55G>A), located in coding exon 1 of the ALK gene, results from a G to A substitution at nucleotide position 55. The valine at codon 19 is replaced by methionine, an amino acid with highly similar properties. This amino acid position is conserved. In addition, this alteration is predicted to be tolerated by in silico analysis. Since supporting evidence is limited at this time, the clinical significance of this alteration remains unclear.

NM_004304.5(ALK):c.55G>A (p.Val19Met)

Gene: ALK (ALK receptor tyrosine kinase; minus strand). Cytogenetic location: 2p23.1.
Variant type: single nucleotide variant.
Coding change: c.55G>A on transcript NM_004304.5 (MANE Select); coding-DNA position 55, G replaced by A.
Protein change: p.Val19Met; replaces valine 19 with methionine.
Molecular consequence: missense variant.
Genome position (GRCh38, 1-based): chr2:29,920,605, C>T on the plus strand (G>A on the coding strand, the complement: ALK is on the minus strand). VCF-style: chr2-29920605-C-T. GRCh37 (hg19) VCF-style: chr2-30143471-C-T.
Other names: short protein forms V19M.
Identifiers: ClinVar variation 1499233 (VCV001499233.9), dbSNP rs1057384991, ClinGen allele CA45004789.